The following is an entry in ClinVar:

ClinVar aggregate classification (germline): Uncertain significance (1 of 4 stars; one submission).

Submission:

GeneDx
Classification: Uncertain significance. Last evaluated: 2025-03-20. Review status: criteria provided, single submitter. Criteria: GeneDx Variant Classification Process June 2021. Collection method: clinical testing. Allele origin: germline. Affected: yes.
Comment: Not observed at significant frequency in large population cohorts (gnomAD); In silico analysis supports that this missense variant has a deleterious effect on protein structure/function; Has not been previously published as pathogenic or benign to our knowledge

NM_206933.4(USH2A):c.4175G>C (p.Gly1392Ala)

Genes: USH2A (usherin; minus strand), USH2A-AS1 (USH2A antisense RNA 1; plus strand). Cytogenetic location: 1q41.
Variant type: single nucleotide variant.
Coding change: c.4175G>C on transcript NM_206933.4 (MANE Select); coding-DNA position 4175, G replaced by C.
Protein change: p.Gly1392Ala; replaces glycine 1392 with alanine.
Molecular consequence: missense variant.
Genome position (GRCh38, 1-based): chr1:216,196,629, C>G on the plus strand (G>C on the coding strand, the complement: USH2A is on the minus strand). VCF-style: chr1-216196629-C-G. GRCh37 (hg19) VCF-style: chr1-216369971-C-G.
Other names: c.4175G>C, p.Gly1392Ala (NM_007123.6); short protein forms G1392A.
Identifiers: ClinVar variation 4086780 (VCV004086780.1).
Genomic context (GRCh38, chr1:216,196,629, plus strand): 5'-GGAATAGACTGTTGAGGTGATTGTTCAGAAAGCATATTGATGTCATACCCCACAACTTTT[C>G]CTCTTGTAACATTATCTGCTGGCTTCTCCCAGGAGATATTGAGAGAGTACGAAGAGAGGG-3'
Protein context (NP_996816.3, residues 1382-1402): WEKPADNVTR[Gly1392Ala]KVVGYDINML